The following is an entry in ClinVar:

NM_016065.4(MRPS16):c.347G>A (p.Arg116His)

Genes: DNAJC9-AS1 (DNAJC9 and MRPS16 antisense RNA 1; plus strand), MRPS16 (mitochondrial ribosomal protein S16; minus strand). Cytogenetic location: 10q22.2.
Variant type: single nucleotide variant.
Coding change: c.347G>A on transcript NM_016065.4 (MANE Select); coding-DNA position 347, G replaced by A.
Protein change: p.Arg116His; replaces arginine 116 with histidine.
Molecular consequence: missense variant. On other transcripts: intron variant (1).
Genome position (GRCh38, 1-based): chr10:73,250,919, C>T on the plus strand (G>A on the coding strand, the complement: MRPS16 is on the minus strand). VCF-style: chr10-73250919-C-T. GRCh37 (hg19) VCF-style: chr10-75010677-C-T.
Other names: c.274+844G>A (NM_001410935.1); short protein forms R116H.
Identifiers: ClinVar variation 4767326 (VCV004767326.1).
Genomic context (GRCh38, chr10:73,250,919, plus strand): 5'-TCTGTAGCCTCTGTATCTGTAGCTTCTGCATCTGTTTTCTGAGAAGCTAACAGGACTTCA[C>T]GTGCCCGTTTCCTTCGCAGTCTCTCAGCATTTGTGATCATCATAGGATGCAGAGGGAAAA-3'
Protein context (NP_057149.1, residues 106-126): NAERLRRKRA[Arg116His]EVLLASQKTD

ClinVar aggregate classification (germline): Uncertain significance (1 of 4 stars; one submission).

gnomAD v4.1: 8 of 1,614,192 alleles (0.0005%); highest among the groups gnomAD compares: African/African-American, 0.0013%; no homozygotes.

Submission:

Labcorp Genetics (formerly Invitae), Labcorp
Classification: Uncertain significance. Last evaluated: 2025-10-22. Review status: criteria provided, single submitter. Criteria: Invitae Variant Classification Sherloc (09022015). Collection method: clinical testing. Allele origin: germline.
Comment: This sequence change replaces arginine, which is basic and polar, with histidine, which is basic and polar, at codon 116 of the MRPS16 protein (p.Arg116His). This variant is present in population databases (rs147844712, gnomAD 0.003%). This variant has not been reported in the literature in individuals affected with MRPS16-related conditions. An algorithm developed to predict the effect of missense changes on protein structure and function outputs the following: PolyPhen-2: "Benign". The histidine amino acid residue is found in multiple mammalian species, which suggests that this missense change does not adversely affect protein function. In summary, the available evidence is currently insufficient to determine the role of this variant in disease. Therefore, it has been classified as a Variant of Uncertain Significance.